The following is an entry in ClinVar:

NM_015512.5(DNAH1):c.11003A>G (p.Asn3668Ser)

Gene: DNAH1 (dynein axonemal heavy chain 1; plus strand). Cytogenetic location: 3p21.1.
Variant type: single nucleotide variant.
Coding change: c.11003A>G on transcript NM_015512.5 (MANE Select); coding-DNA position 11003, A replaced by G.
Protein change: p.Asn3668Ser; replaces asparagine 3668 with serine.
Molecular consequence: missense variant.
Genome position (GRCh38, 1-based): chr3:52,395,342, A>G. VCF-style: chr3-52395342-A-G. GRCh37 (hg19) VCF-style: chr3-52429358-A-G.
Other names: short protein forms N3668S.
Identifiers: ClinVar variation 772244 (VCV000772244.10), dbSNP rs199630660, ClinGen allele CA2436039.

ClinVar aggregate classification (germline): Conflicting classifications of pathogenicity. Review status: criteria provided, conflicting classifications (1 of 4 stars). 2 submissions from 2 submitters: Uncertain significance (1); Likely benign (1). Last evaluated 2025-11-03.

Conditions:
Spermatogenic failure 18. Identifiers: MedGen C4539783, MONDO:0054615, OMIM 617576.
Ciliary dyskinesia, primary, 37 (CILD37). Also called: CILIARY DYSKINESIA, PRIMARY, 37, WITH OR WITHOUT SITUS INVERSUS. Identifiers: MedGen C4539798, MONDO:0033204, OMIM 617577.
DNAH1-related disorder. Also called: DNAH1-related condition.

Allele frequency attached by ClinVar (database versions not stated): ExAC 0.00024; 1000 Genomes Project 30x 0.00078; gnomAD 0.00095 and 0.00104; 1000 Genomes Project 0.00100; ESP Exome Variant Server 0.00113; TOPMed 0.00117.
gnomAD v4.1: 254 of 1,613,390 alleles (0.016%); highest among the groups gnomAD compares: African/African-American, 0.3%; no homozygotes.

Submissions (2):

Labcorp Genetics (formerly Invitae), Labcorp
Classification: Likely benign for Ciliary dyskinesia, primary, 37; Spermatogenic failure 18. Last evaluated: 2025-11-03. Review status: criteria provided, single submitter. Criteria: Invitae Variant Classification Sherloc (09022015). Collection method: clinical testing. Allele origin: germline.

PreventionGenetics, part of Exact Sciences
Classification: Uncertain significance for DNAH1-related condition. Last evaluated: 2025-10-03. Review status: criteria provided, single submitter. Criteria: ACMG Guidelines, 2015. Collection method: clinical testing. Allele origin: germline.
Comment: The DNAH1 c.11003A>G variant is predicted to result in the amino acid substitution p.Asn3668Ser. To our knowledge, this variant has not been reported in the literature. This variant is reported in 0.29% of alleles in individuals of African descent in gnomAD. Although we suspect that this variant may be benign, at this time, the clinical significance of this variant is uncertain due to the absence of conclusive functional and genetic evidence.